The following is an entry in ClinVar:

NM_012268.4(PLD3):c.901C>G (p.Pro301Ala)

Gene: PLD3 (phospholipase D family member 3; plus strand). Cytogenetic location: 19q13.2.
Variant type: single nucleotide variant.
Coding change: c.901C>G on transcript NM_012268.4 (MANE Select); coding-DNA position 901, C replaced by G.
Protein change: p.Pro301Ala; replaces proline 301 with alanine.
Molecular consequence: missense variant.
Genome position (GRCh38, 1-based): chr19:40,374,502, C>G. VCF-style: chr19-40374502-C-G. GRCh37 (hg19) VCF-style: chr19-40880409-C-G.
Other names: c.901C>G, p.Pro301Ala (NM_001031696.4, NM_001291311.2); short protein forms P301A.
Identifiers: ClinVar variation 4989115 (VCV004989115.1).

ClinVar aggregate classification (germline): Uncertain significance (1 of 4 stars; one submission).

Conditions:
PLD3-related disorder. Also called: PLD3-related condition.

gnomAD v4.1: 3 of 1,614,154 alleles (0.00019%); highest among the groups gnomAD compares: African/African-American, 0.004%; no homozygotes.

Submission:

PreventionGenetics, part of Exact Sciences
Classification: Uncertain significance for PLD3-related condition. Last evaluated: 2025-05-07. Review status: criteria provided, single submitter. Criteria: ACMG Guidelines, 2015. Collection method: clinical testing. Allele origin: germline.
Comment: The PLD3 c.901C>G variant is predicted to result in the amino acid substitution p.Pro301Ala. To our knowledge, this variant has not been reported in the literature. This variant is reported in 0.0062% of alleles in individuals of African descent in gnomAD. At this time, the clinical significance of this variant is uncertain due to the absence of conclusive functional and genetic evidence.